The following is an entry in ClinVar:

ClinVar aggregate classification (germline): Uncertain significance. Review status: criteria provided, multiple submitters, no conflicts (2 of 4 stars). 2 submissions from 2 submitters: Uncertain significance (2). Last evaluated 2025-11-17.

Conditions:
Hereditary nonpolyposis colorectal neoplasms. Identifiers: MedGen C0009405, MeSH D003123.
Hereditary cancer-predisposing syndrome. Also called: Hereditary Cancer Syndrome; Tumor predisposition; Hereditary neoplastic syndrome; Neoplastic Syndromes, Hereditary. Identifiers: Orphanet 140162, MedGen C0027672, MeSH D009386, MONDO:0015356.

Submissions (2):

Labcorp Genetics (formerly Invitae), Labcorp
Classification: Uncertain significance for Hereditary nonpolyposis colorectal neoplasms. Last evaluated: 2025-11-17. Review status: criteria provided, single submitter. Criteria: Invitae Variant Classification Sherloc (09022015). Collection method: clinical testing. Allele origin: germline.
Comment: This sequence change creates a premature translational stop signal (p.Ser1343Asnfs*5) in the MSH6 gene. While this is not anticipated to result in nonsense mediated decay, it is expected to disrupt the last 18 amino acid(s) of the MSH6 protein. This variant is not present in population databases (gnomAD no frequency). This variant has not been reported in the literature in individuals affected with MSH6-related conditions. ClinVar contains an entry for this variant (Variation ID: 646779). Experimental studies and prediction algorithms are not available or were not evaluated, and the functional significance of this variant is currently unknown. In summary, the available evidence is currently insufficient to determine the role of this variant in disease. Therefore, it has been classified as a Variant of Uncertain Significance.

Ambry Genetics
Classification: Uncertain significance for Hereditary cancer-predisposing syndrome. Last evaluated: 2022-06-02. Review status: criteria provided, single submitter. Criteria: Ambry Variant Classification Scheme 2023. Collection method: clinical testing. Allele origin: germline.
Comment: The c.4027_4028delTC variant, located in coding exon 10 of the MSH6 gene, results from a deletion of two nucleotides at nucleotide positions 4027 to 4028, causing a translational frameshift with a predicted alternate stop codon (p.S1343Nfs*5). This alteration occurs at the 3' terminus of theMSH6 gene, is not expected to trigger nonsense-mediated mRNAdecay, and only impacts the last 18 amino acids of the protein. The exact functional effect of this alteration is unknown. Since supporting evidence is limited at this time, the clinical significance of this alteration remains unclear.

NM_000179.3(MSH6):c.4027_4028del (p.Ser1343fs)

Gene: MSH6 (mutS homolog 6; plus strand). Cytogenetic location: 2p16.3.
Variant type: Deletion.
Coding change: c.4027_4028del on transcript NM_000179.3 (MANE Select); coding-DNA positions 4027 to 4028, 2 bases deleted (TC; older notation c.4027_4028delTC).
Protein change: p.Ser1343fs; shifts the reading frame from serine 1343.
Molecular consequence: frameshift variant.
Genome position (GRCh38, 1-based): chr2:47,806,804-47,806,805, TC deleted. VCF-style (leftmost placement, unchanged base first): chr2-47806803-GTC-G. GRCh37 (hg19) VCF-style: chr2-48033942-GTC-G.
Other names: c.3637_3638del, p.Ser1213fs (NM_001281492.2); c.3121_3122del, p.Ser1041fs (NM_001281493.2, NM_001281494.2); c.4027_4028delTC (NM_000179.2); short protein forms S1343fs, S1041fs, S1213fs.
Identifiers: ClinVar variation 646779 (VCV000646779.9), dbSNP rs1572750047, ClinGen allele CA915943992.
Genomic context (GRCh38, chr2:47,806,803, plus strand): 5'-CAAAAAAACTTTTTTTTTTTTTTTTTTAATTTTAAGGGAAGTTTGCCTGGCTAGTGAAAG[GTC>G]AACTGTAGATGCTGAAGCTGTCCATAAATTGCTGACTTTGATTAAGGAATTATAGACTGA-3'